The following is an entry in ClinVar:

ClinVar aggregate classification (germline): Uncertain significance (1 of 4 stars; one submission).

Allele frequency attached by ClinVar (database versions not stated): gnomAD exomes below 0.00001; TOPMed below 0.00001.
gnomAD v4.1: 1 of 1,613,544 alleles (0.000062%); highest among the groups gnomAD compares: Non-Finnish European, 0.000085%; no homozygotes.

Submission:

Labcorp Genetics (formerly Invitae), Labcorp
Classification: Uncertain significance. Last evaluated: 2023-05-23. Review status: criteria provided, single submitter. Criteria: Invitae Variant Classification Sherloc (09022015). Collection method: clinical testing. Allele origin: germline.
Comment: This sequence change replaces asparagine, which is neutral and polar, with threonine, which is neutral and polar, at codon 1024 of the DSG1 protein (p.Asn1024Thr). This variant is not present in population databases (gnomAD no frequency). This variant has not been reported in the literature in individuals affected with DSG1-related conditions. Algorithms developed to predict the effect of missense changes on protein structure and function output the following: SIFT: "Not Available"; PolyPhen-2: "Benign"; Align-GVGD: "Not Available". The threonine amino acid residue is found in multiple mammalian species, which suggests that this missense change does not adversely affect protein function. In summary, the available evidence is currently insufficient to determine the role of this variant in disease. Therefore, it has been classified as a Variant of Uncertain Significance.

NM_001942.4(DSG1):c.3071A>C (p.Asn1024Thr)

Genes: DSG1 (desmoglein 1; plus strand), DSG1-AS1 (DSG1 antisense RNA 1; minus strand). Cytogenetic location: 18q12.1.
Variant type: single nucleotide variant.
Coding change: c.3071A>C on transcript NM_001942.4 (MANE Select); coding-DNA position 3071, A replaced by C.
Protein change: p.Asn1024Thr; replaces asparagine 1024 with threonine.
Molecular consequence: missense variant.
Genome position (GRCh38, 1-based): chr18:31,355,267, A>C. VCF-style: chr18-31355267-A-C. GRCh37 (hg19) VCF-style: chr18-28935230-A-C.
Other names: short protein forms N1024T.
Identifiers: ClinVar variation 2848925 (VCV002848925.3), dbSNP rs2071946002, ClinGen allele CA402125800.
Genomic context (GRCh38, chr18:31,355,267, plus strand): 5'-GCAGCTTGGGAGGGACAGCCAGCATTGGCCACATGAGGAGTTCCTCTGACCATCACTTTA[A>C]CCAAACCATTGGGTCCGCCTCCCCTAGCACAGCTCGAAGTCGAATCACAAAGTATAGTAC-3'
Protein context (NP_001933.2, residues 1014-1034): HMRSSSDHHF[Asn1024Thr]QTIGSASPST